The following is an entry in ClinVar:

ClinVar aggregate classification (germline): Uncertain significance (1 of 4 stars; one submission).

gnomAD v4.1: 16 of 1,613,828 alleles (0.00099%); highest among the groups gnomAD compares: Middle Eastern, 0.016%; no homozygotes.

Submission:

Women's Health and Genetics/Laboratory Corporation of America, LabCorp
Classification: Uncertain significance. Last evaluated: 2026-03-24. Review status: criteria provided, single submitter. Criteria: LabCorp Variant Classification Summary - May 2015. Collection method: clinical testing. Allele origin: germline.
Comment: Variant summary: MACF1 c.3551A>T (p.Glu1184Val) results in a non-conservative amino acid change in the encoded protein sequence. Algorithms developed to predict the effect of missense changes on protein structure and function are either unavailable or do not agree on the potential impact of this missense change. The variant allele was found at a frequency of 2e-05 in 251182 control chromosomes. The available data on variant occurrences in the general population are insufficient to allow any conclusion about variant significance. To our knowledge, no occurrence of c.3551A>T in individuals affected with MACF1-related conditions and no experimental evidence demonstrating its impact on protein function have been reported. No submitters have cited clinical-significance assessments for this variant to ClinVar. Based on the evidence outlined above, the variant was classified as uncertain significance.

NM_001394062.1(MACF1):c.3536A>T (p.Glu1179Val)

Gene: MACF1 (microtubule actin crosslinking factor 1; plus strand). Cytogenetic location: 1p34.3.
Variant type: single nucleotide variant.
Coding change: c.3536A>T on transcript NM_001394062.1 (MANE Select); coding-DNA position 3536, A replaced by T.
Protein change: p.Glu1179Val; replaces glutamic acid 1179 with valine.
Molecular consequence: missense variant.
Genome position (GRCh38, 1-based): chr1:39,316,477, A>T. VCF-style: chr1-39316477-A-T. GRCh37 (hg19) VCF-style: chr1-39782149-A-T.
Other names: c.3551A>T, p.Glu1184Val (NM_012090.5); short protein forms E1179V, E1184V.
Identifiers: ClinVar variation 4847730 (VCV004847730.1).